The following is an entry in ClinVar:

NM_000166.6(GJB1):c.173C>T (p.Pro58Leu)

Gene: GJB1 (gap junction protein beta 1; plus strand). Cytogenetic location: Xq13.1.
Variant type: single nucleotide variant.
Coding change: c.173C>T on transcript NM_000166.6 (MANE Select); coding-DNA position 173, C replaced by T.
Protein change: p.Pro58Leu; replaces proline 58 with leucine.
Molecular consequence: missense variant.
Genome position (GRCh38, 1-based): chrX:71,223,880, C>T. VCF-style: chrX-71223880-C-T. GRCh37 (hg19) VCF-style: chrX-70443730-C-T.
Other names: c.173C>T, p.Pro58Leu (NM_001097642.3); short protein forms P58L.
Identifiers: ClinVar variation 3721203 (VCV003721203.2).

ClinVar aggregate classification (germline): Likely pathogenic (1 of 4 stars; one submission).

Conditions:
Charcot-Marie-Tooth Neuropathy X. Identifiers: MedGen CN118851.

Submission:

Labcorp Genetics (formerly Invitae), Labcorp
Classification: Likely pathogenic for Charcot-Marie-Tooth Neuropathy X. Last evaluated: 2024-11-04. Review status: criteria provided, single submitter. Criteria: Invitae Variant Classification Sherloc (09022015). Collection method: clinical testing. Allele origin: germline.
Comment: This sequence change replaces proline, which is neutral and non-polar, with leucine, which is neutral and non-polar, at codon 58 of the GJB1 protein (p.Pro58Leu). This variant is not present in population databases (gnomAD no frequency). This missense change has been observed in individual(s) with clinical features of Charcot-Marie-Tooth disease (internal data). Invitae Evidence Modeling of protein sequence and biophysical properties (such as structural, functional, and spatial information, amino acid conservation, physicochemical variation, residue mobility, and thermodynamic stability) indicates that this missense variant is expected to disrupt GJB1 protein function with a positive predictive value of 95%. This variant disrupts the p.Pro58 amino acid residue in GJB1. Other variant(s) that disrupt this residue have been determined to be pathogenic (PMID: 9633821). This suggests that this residue is clinically significant, and that variants that disrupt this residue are likely to be disease-causing. In summary, the currently available evidence indicates that the variant is pathogenic, but additional data are needed to prove that conclusively. Therefore, this variant has been classified as Likely Pathogenic.

Literature cited by the submitters: PubMed 9633821.